The following is an entry in ClinVar:

ClinVar aggregate classification (germline): Uncertain significance (1 of 4 stars; one submission).

Allele frequency attached by ClinVar (database versions not stated): gnomAD exomes below 0.00001 and 0.00001; ExAC 0.00001; gnomAD 0.00003.
gnomAD v4.1: 15 of 1,570,792 alleles (0.00095%); highest among the groups gnomAD compares: Admixed American, 0.0055%; no homozygotes.

Submission:

Labcorp Genetics (formerly Invitae), Labcorp
Classification: Uncertain significance. Last evaluated: 2022-06-07. Review status: criteria provided, single submitter. Criteria: Invitae Variant Classification Sherloc (09022015). Collection method: clinical testing. Allele origin: germline.
Comment: This sequence change replaces glutamic acid, which is acidic and polar, with glutamine, which is neutral and polar, at codon 1895 of the CPLANE1 protein (p.Glu1895Gln). This variant is present in population databases (rs767967950, gnomAD 0.004%). This variant has not been reported in the literature in individuals affected with CPLANE1-related conditions. Advanced modeling of protein sequence and biophysical properties (such as structural, functional, and spatial information, amino acid conservation, physicochemical variation, residue mobility, and thermodynamic stability) performed at Invitae indicates that this missense variant is not expected to disrupt CPLANE1 protein function. In summary, the available evidence is currently insufficient to determine the role of this variant in disease. Therefore, it has been classified as a Variant of Uncertain Significance.

NM_001384732.1(CPLANE1):c.5683G>C (p.Glu1895Gln)

Gene: CPLANE1 (ciliogenesis and planar polarity effector complex subunit 1; minus strand). Cytogenetic location: 5p13.2.
Variant type: single nucleotide variant.
Coding change: c.5683G>C on transcript NM_001384732.1 (MANE Select); coding-DNA position 5683, G replaced by C.
Protein change: p.Glu1895Gln; replaces glutamic acid 1895 with glutamine.
Molecular consequence: missense variant.
Genome position (GRCh38, 1-based): chr5:37,180,071, C>G on the plus strand (G>C on the coding strand, the complement: CPLANE1 is on the minus strand). VCF-style: chr5-37180071-C-G. GRCh37 (hg19) VCF-style: chr5-37180173-C-G.
Other names: c.5683G>C, p.Glu1895Gln (NM_023073.4); short protein forms E1895Q.
Identifiers: ClinVar variation 1375657 (VCV001375657.5), dbSNP rs767967950, ClinGen allele CA3238482.